The following is an entry in ClinVar:

NM_000428.3(LTBP2):c.5224G>C (p.Gly1742Arg)

Gene: LTBP2 (latent transforming growth factor beta binding protein 2; minus strand). Cytogenetic location: 14q24.3.
Variant type: single nucleotide variant.
Coding change: c.5224G>C on transcript NM_000428.3 (MANE Select); coding-DNA position 5224, G replaced by C.
Protein change: p.Gly1742Arg; replaces glycine 1742 with arginine.
Molecular consequence: missense variant.
Genome position (GRCh38, 1-based): chr14:74,501,537, C>G on the plus strand (G>C on the coding strand, the complement: LTBP2 is on the minus strand). VCF-style: chr14-74501537-C-G. GRCh37 (hg19) VCF-style: chr14-74968240-C-G.
Other names: short protein forms G1742R.
Identifiers: ClinVar variation 1486297 (VCV001486297.6), dbSNP rs748378774, ClinGen allele CA390382380.

ClinVar aggregate classification (germline): Uncertain significance (1 of 4 stars; one submission).

Submission:

Labcorp Genetics (formerly Invitae), Labcorp
Classification: Uncertain significance. Last evaluated: 2021-09-17. Review status: criteria provided, single submitter. Criteria: Invitae Variant Classification Sherloc (09022015). Collection method: clinical testing. Allele origin: germline.
Comment: In summary, the available evidence is currently insufficient to determine the role of this variant in disease. Therefore, it has been classified as a Variant of Uncertain Significance. Algorithms developed to predict the effect of missense changes on protein structure and function (SIFT, PolyPhen-2, Align-GVGD) all suggest that this variant is likely to be disruptive. This variant has not been reported in the literature in individuals affected with LTBP2-related conditions. This variant is not present in population databases (ExAC no frequency). This sequence change replaces glycine with arginine at codon 1742 of the LTBP2 protein (p.Gly1742Arg). The glycine residue is highly conserved and there is a moderate physicochemical difference between glycine and arginine.